The following is an entry in ClinVar:

NM_033087.4(ALG2):c.212C>T (p.Ala71Val)

Gene: ALG2 (ALG2 alpha-1,3/1,6-mannosyltransferase; minus strand). Cytogenetic location: 9q22.33.
Variant type: single nucleotide variant.
Coding change: c.212C>T on transcript NM_033087.4 (MANE Select); coding-DNA position 212, C replaced by T.
Protein change: p.Ala71Val; replaces alanine 71 with valine.
Molecular consequence: missense variant. On other transcripts: non-coding transcript variant (1).
Genome position (GRCh38, 1-based): chr9:99,221,683, G>A on the plus strand (C>T on the coding strand, the complement: ALG2 is on the minus strand). VCF-style: chr9-99221683-G-A. GRCh37 (hg19) VCF-style: chr9-101983965-G-A.
Other names: short protein forms A71V.
Identifiers: ClinVar variation 578103 (VCV000578103.9), dbSNP rs551744220, ClinGen allele CA5156446.

ClinVar aggregate classification (germline): Uncertain significance. Review status: criteria provided, multiple submitters, no conflicts (2 of 4 stars). 2 submissions from 2 submitters: Uncertain significance (2). Last evaluated 2026-01-12.

Conditions:
Congenital myasthenic syndrome 14. Also called: Myasthenic syndrome, congenital, 14, with tubular aggregates. Identifiers: Orphanet 353327, Orphanet 590, MedGen C4015597, MONDO:0014543, OMIM 616228.
Congenital disorder of glycosylation, type Ii. Also called: ALG2-congenital disorder of glycosylation; ALG2-CDG; CDG Ii. Identifiers: Orphanet 79326, MedGen C1842836, MONDO:0011933, OMIM 607906.
Inborn genetic diseases. Identifiers: MedGen C0950123, MeSH D030342.

Allele frequency attached by ClinVar (database versions not stated): 1000 Genomes Project 30x 0.00016; 1000 Genomes Project 0.00020; TOPMed 0.00020.

Submissions (2):

Labcorp Genetics (formerly Invitae), Labcorp
Classification: Uncertain significance for Congenital disorder of glycosylation, type Ii; Congenital myasthenic syndrome 14. Last evaluated: 2026-01-12. Review status: criteria provided, single submitter. Criteria: Invitae Variant Classification Sherloc (09022015). Collection method: clinical testing. Allele origin: germline.
Comment: This sequence change replaces alanine, which is neutral and non-polar, with valine, which is neutral and non-polar, at codon 71 of the ALG2 protein (p.Ala71Val). This variant is present in population databases (rs551744220, gnomAD 0.04%). This variant has not been reported in the literature in individuals affected with ALG2-related conditions. ClinVar contains an entry for this variant (Variation ID: 578103). An algorithm developed to predict the effect of missense changes on protein structure and function (PolyPhen-2) suggests that this variant is likely to be tolerated. In summary, the available evidence is currently insufficient to determine the role of this variant in disease. Therefore, it has been classified as a Variant of Uncertain Significance.

Ambry Genetics
Classification: Uncertain significance for Inborn genetic diseases. Last evaluated: 2024-10-16. Review status: criteria provided, single submitter. Criteria: Ambry Variant Classification Scheme 2023. Collection method: clinical testing. Allele origin: germline.